The following is an entry in ClinVar:

NM_000038.6(APC):c.4783G>T (p.Ala1595Ser)

Gene: APC (APC regulator of Wnt signaling pathway; plus strand). Cytogenetic location: 5q22.2.
Variant type: single nucleotide variant.
Coding change: c.4783G>T on transcript NM_000038.6 (MANE Select); coding-DNA position 4783, G replaced by T.
Protein change: p.Ala1595Ser; replaces alanine 1595 with serine.
Molecular consequence: missense variant.
Genome position (GRCh38, 1-based): chr5:112,840,377, G>T. VCF-style: chr5-112840377-G-T. GRCh37 (hg19) VCF-style: chr5-112176074-G-T.
Other names: c.4783G>T, p.Ala1595Ser (NM_001127510.3, NM_001354895.2); c.4729G>T, p.Ala1577Ser (NM_001127511.3); c.4837G>T, p.Ala1613Ser (NM_001354896.2); c.4813G>T, p.Ala1605Ser (NM_001354897.2); c.4708G>T, p.Ala1570Ser (NM_001354898.2); c.4699G>T, p.Ala1567Ser (NM_001354899.2); c.4660G>T, p.Ala1554Ser (NM_001354900.2); c.4606G>T, p.Ala1536Ser (NM_001354901.2); and 5 more; short protein forms A1595S, A1577S, A1504S, A1312S, A1435S, A1469S, A1554S, A1570S.
Identifiers: ClinVar variation 411531 (VCV000411531.54), dbSNP rs749782426, ClinGen allele CA16031815.

ClinVar aggregate classification (germline): Conflicting classifications of pathogenicity. Review status: criteria provided, conflicting classifications (1 of 4 stars). 4 submissions from 4 submitters: Uncertain significance (2); Likely benign (1). 1 of the submissions does not count toward it. Last evaluated 2025-07-25.

Conditions:
Hereditary cancer-predisposing syndrome. Also called: Tumor predisposition; Hereditary Cancer Syndrome; Hereditary neoplastic syndrome; Neoplastic Syndromes, Hereditary. Identifiers: Orphanet 140162, MedGen C0027672, MeSH D009386, MONDO:0015356.
Familial adenomatous polyposis 1 (FAP1). Also called: FAMILIAL ADENOMATOUS POLYPOSIS 1, ATTENUATED; POLYPOSIS, ADENOMATOUS INTESTINAL. Identifiers: MedGen C2713442, MONDO:0021056, OMIM 175100. Disease mechanism: loss of function.
APC-related disorder. Also called: APC-related condition.

gnomAD v4.1: 4 of 1,614,172 alleles (0.00025%); highest among the groups gnomAD compares: East Asian, 0.0089%; no homozygotes.

Submissions (4):

Labcorp Genetics (formerly Invitae), Labcorp
Classification: Uncertain significance for Familial adenomatous polyposis 1. Last evaluated: 2025-07-25. Review status: criteria provided, single submitter. Criteria: Invitae Variant Classification Sherloc (09022015). Collection method: clinical testing. Allele origin: germline.
Comment: This sequence change replaces alanine, which is neutral and non-polar, with serine, which is neutral and polar, at codon 1595 of the APC protein (p.Ala1595Ser). This variant is present in population databases (no rsID available, gnomAD 0.02%). This variant has not been reported in the literature in individuals affected with APC-related conditions. ClinVar contains an entry for this variant (Variation ID: 411531). Invitae Evidence Modeling of protein sequence and biophysical properties (such as structural, functional, and spatial information, amino acid conservation, physicochemical variation, residue mobility, and thermodynamic stability) indicates that this missense variant is not expected to disrupt APC protein function with a negative predictive value of 95%. In summary, the available evidence is currently insufficient to determine the role of this variant in disease. Therefore, it has been classified as a Variant of Uncertain Significance.

Ambry Genetics
Classification: Likely benign for Hereditary cancer-predisposing syndrome. Last evaluated: 2021-06-14. Review status: criteria provided, single submitter. Criteria: Ambry Variant Classification Scheme 2023. Collection method: clinical testing. Allele origin: germline.

Color Diagnostics, LLC DBA Color Health
Classification: Uncertain significance for Hereditary cancer-predisposing syndrome. Last evaluated: 2019-01-18. Review status: criteria provided, single submitter. Criteria: ACMG Guidelines, 2015. Collection method: clinical testing. Allele origin: germline.

PreventionGenetics, part of Exact Sciences
Classification: Uncertain significance for APC-related condition. Last evaluated: 2024-09-26. Review status: no assertion criteria provided. Collection method: clinical testing. Allele origin: germline. Not counted in ClinVar's aggregate classification.
Comment: The APC c.4783G>T variant is predicted to result in the amino acid substitution p.Ala1595Ser. To our knowledge, this variant has not been reported in the literature. This variant is reported in 0.016% of alleles in individuals of East Asian descent in gnomAD, which may been too common to be a primary cause of disease. This variant has been reported as likely benign and uncertain in ClinVar. Although we suspect that this variant may be benign, at this time, the clinical significance of this variant is uncertain due to the absence of conclusive functional and genetic evidence.